The following is an entry in ClinVar:

ClinVar aggregate classification (germline): Uncertain significance (1 of 4 stars; one submission).

Conditions:
Dilated cardiomyopathy 1G (CMD1G). Identifiers: Orphanet 154, MedGen C1858763, MONDO:0011400, OMIM 604145.
Autosomal recessive limb-girdle muscular dystrophy type 2J (LGMDR10). Also called: Limb-girdle muscular dystrophy, type 2J; MUSCULAR DYSTROPHY, LIMB-GIRDLE, AUTOSOMAL RECESSIVE 10. Identifiers: Orphanet 140922, MedGen C1837342, MONDO:0012127, OMIM 608807.

gnomAD v4.1: 1 of 1,585,528 alleles (0.000063%); highest among the groups gnomAD compares: African/African-American, 0.0014%; no homozygotes.

Submission:

Labcorp Genetics (formerly Invitae), Labcorp
Classification: Uncertain significance for Dilated cardiomyopathy 1G; Autosomal recessive limb-girdle muscular dystrophy type 2J. Last evaluated: 2024-03-02. Review status: criteria provided, single submitter. Criteria: Invitae Variant Classification Sherloc (09022015). Collection method: clinical testing. Allele origin: germline.
Comment: This sequence change replaces threonine, which is neutral and polar, with isoleucine, which is neutral and non-polar, at codon 33598 of the TTN protein (p.Thr33598Ile). This variant is present in population databases (no rsID available, gnomAD 0.007%). This variant has not been reported in the literature in individuals affected with TTN-related conditions. Experimental studies and prediction algorithms are not available or were not evaluated, and the functional significance of this variant is currently unknown. This variant is located in the M band of TTN (PMID: 25589632). Non-truncating variants in this region may be relevant for neuromuscular disorders, but have not been definitively shown to cause cardiomyopathy (PMID: 23975875). In summary, the available evidence is currently insufficient to determine the role of this variant in disease. Therefore, it has been classified as a Variant of Uncertain Significance.

Literature cited by the submitters: PubMed 25589632; PubMed 23975875.

NM_001267550.2(TTN):c.100793C>T (p.Thr33598Ile)

Genes: TTN-AS1 (TTN antisense RNA 1; plus strand), TTN (titin; minus strand). Cytogenetic location: 2q31.2.
Variant type: single nucleotide variant.
Coding change: c.100793C>T on transcript NM_001267550.2 (MANE Select); coding-DNA position 100793, C replaced by T.
Protein change: p.Thr33598Ile; replaces threonine 33598 with isoleucine.
Molecular consequence: missense variant. On other transcripts: non-coding transcript variant (1).
Genome position (GRCh38, 1-based): chr2:178,535,822, G>A on the plus strand (C>T on the coding strand, the complement: TTN is on the minus strand). VCF-style: chr2-178535822-G-A. GRCh37 (hg19) VCF-style: chr2-179400549-G-A.
Other names: c.95870C>T, p.Thr31957Ile (NM_001256850.1); c.73598C>T, p.Thr24533Ile (NM_003319.4); c.93089C>T, p.Thr31030Ile (NM_133378.4); c.73973C>T, p.Thr24658Ile (NM_133432.3); c.74174C>T, p.Thr24725Ile (NM_133437.4); short protein forms T24533I, T24658I, T24725I, T31030I, T31957I, T33598I.
Identifiers: ClinVar variation 3755062 (VCV003755062.2).